The following is an entry in ClinVar:

ClinVar aggregate classification (germline): Uncertain significance (1 of 4 stars; one submission).

Conditions:
Autosomal dominant Parkinson disease 8. Also called: LRRK2-Related Parkinson Disease; Parkinson disease 8; Parkinson disease 8, susceptibility to. Identifiers: Orphanet 411602, MedGen C1846862, MONDO:0011764, OMIM 607060.

Submission:

Labcorp Genetics (formerly Invitae), Labcorp
Classification: Uncertain significance for Autosomal dominant Parkinson disease 8. Last evaluated: 2022-07-22. Review status: criteria provided, single submitter. Criteria: Invitae Variant Classification Sherloc (09022015). Collection method: clinical testing. Allele origin: germline.
Comment: In summary, the available evidence is currently insufficient to determine the role of this variant in disease. Therefore, it has been classified as a Variant of Uncertain Significance. Variants that disrupt the consensus splice site are a relatively common cause of aberrant splicing (PMID: 17576681, 9536098). Algorithms developed to predict the effect of sequence changes on RNA splicing suggest that this variant is not likely to affect RNA splicing. This variant has not been reported in the literature in individuals affected with LRRK2-related conditions. This variant is not present in population databases (gnomAD no frequency). This sequence change falls in intron 17 of the LRRK2 gene. It does not directly change the encoded amino acid sequence of the LRRK2 protein. It affects a nucleotide within the consensus splice site.

Literature cited by the submitters: PubMed 17576681; PubMed 9536098.

NM_198578.4(LRRK2):c.2070+4C>T

Gene: LRRK2 (leucine rich repeat kinase 2; plus strand). Cytogenetic location: 12q12.
Variant type: single nucleotide variant.
Coding change: c.2070+4C>T on transcript NM_198578.4 (MANE Select); 4 bases into the intron after coding-DNA position 2070, C replaced by T.
Molecular consequence: intron variant.
Genome position (GRCh38, 1-based): chr12:40,278,020, C>T. VCF-style: chr12-40278020-C-T. GRCh37 (hg19) VCF-style: chr12-40671822-C-T.
Identifiers: ClinVar variation 2018872 (VCV002018872.4), dbSNP rs199917037, ClinGen allele CA2580085425.